The following is an entry in ClinVar:

ClinVar aggregate classification (germline): Uncertain significance. Review status: criteria provided, multiple submitters, no conflicts (2 of 4 stars). 2 submissions from 2 submitters: Uncertain significance (2). Last evaluated 2024-03-19.

Conditions:
Inborn genetic diseases. Identifiers: MedGen C0950123, MeSH D030342.

Allele frequency attached by ClinVar (database versions not stated): ExAC 0.00015; ESP Exome Variant Server 0.00015; gnomAD 0.00015; 1000 Genomes Project 30x 0.00016; 1000 Genomes Project 0.00020.
gnomAD v4.1: 187 of 1,612,832 alleles (0.012%); highest among the groups gnomAD compares: Admixed American, 0.06%; no homozygotes.

Submissions (2):

Ambry Genetics
Classification: Uncertain significance for Inborn genetic diseases. Last evaluated: 2024-03-19. Review status: criteria provided, single submitter. Criteria: Ambry Variant Classification Scheme 2023. Collection method: clinical testing. Allele origin: germline.

CeGaT Center for Human Genetics Tuebingen
Classification: Uncertain significance. Last evaluated: 2023-12-01. Review status: criteria provided, single submitter. Criteria: CeGaT Center For Human Genetics Tuebingen Variant Classification Criteria Version 2. Collection method: clinical testing. Allele origin: germline. Affected: yes. Observed: 1 variant allele.
Comment: DNAH17: PM2, BP4

NM_173628.4(DNAH17):c.1157C>T (p.Thr386Met)

Gene: DNAH17 (dynein axonemal heavy chain 17; minus strand). Cytogenetic location: 17q25.3.
Variant type: single nucleotide variant.
Coding change: c.1157C>T on transcript NM_173628.4 (MANE Select); coding-DNA position 1157, C replaced by T.
Protein change: p.Thr386Met; replaces threonine 386 with methionine.
Molecular consequence: missense variant.
Genome position (GRCh38, 1-based): chr17:78,569,415, G>A on the plus strand (C>T on the coding strand, the complement: DNAH17 is on the minus strand). VCF-style: chr17-78569415-G-A. GRCh37 (hg19) VCF-style: chr17-76565497-G-A.
Other names: short protein forms T386M.
Identifiers: ClinVar variation 2318488 (VCV002318488.24), dbSNP rs145896153, ClinGen allele CA8805312.